The following is an entry in ClinVar:

ClinVar aggregate classification (germline): Benign (1 of 4 stars; one submission).

Conditions:
Autoimmune lymphoproliferative syndrome type 2A (ALPS2A). Also called: Autoimmune lymphoproliferative syndrome type 2; CASP10-Related Autoimmune Lymphoproliferative Syndrome; AUTOIMMUNE LYMPHOPROLIFERATIVE SYNDROME, TYPE IIA. Identifiers: Orphanet 3261, MedGen C1858968, MONDO:0011383, OMIM 603909.

Allele frequency attached by ClinVar (database versions not stated): gnomAD exomes 0.00002; gnomAD 0.00003 and 0.00013; TOPMed 0.00006; 1000 Genomes Project 30x 0.00078; 1000 Genomes Project 0.00080.
gnomAD v4.1: 33 of 985,342 alleles (0.0033%); highest among the groups gnomAD compares: East Asian, 0.37%; no homozygotes.

Submission:

Illumina Laboratory Services, Illumina
Classification: Benign for Autoimmune lymphoproliferative syndrome type 2A. Last evaluated: 2018-01-12. Review status: criteria provided, single submitter. Criteria: ICSL Variant Classification Criteria 13 December 2019. Collection method: clinical testing. Allele origin: germline.
Comment: This variant was observed in the ICSL laboratory as part of a predisposition screen in an ostensibly healthy population. It had not been previously curated by ICSL or reported in the Human Gene Mutation Database (HGMD: prior to June 1st, 2018), and was therefore a candidate for classification through an automated scoring system. Utilizing variant allele frequency, disease prevalence and penetrance estimates, and inheritance mode, an automated score was calculated to assess if this variant is too frequent to cause the disease. Based on the score and internal cut-off values, a variant classified as benign is not then subjected to further curation. The score for this variant resulted in a classification of benign for this disease.

NM_032977.4(CASP10):c.*846A>G

Gene: CASP10 (caspase 10; plus strand). Cytogenetic location: 2q33.1.
Variant type: single nucleotide variant.
Coding change: c.*846A>G on transcript NM_032977.4 (MANE Select); 846 bases downstream of the stop codon, A replaced by G.
Molecular consequence: 3 prime UTR variant. On other transcripts: intron variant (2).
Genome position (GRCh38, 1-based): chr2:201,218,587, A>G. VCF-style: chr2-201218587-A-G. GRCh37 (hg19) VCF-style: chr2-202083310-A-G.
Other names: c.*846A>G (NM_001206524.2, NM_001230.5); c.*1501A>G (NM_032976.4); c.1415+9025A>G (NM_032974.5); c.1286+9025A>G (NM_001206542.2).
Identifiers: ClinVar variation 898549 (VCV000898549.4), dbSNP rs41529249, ClinGen allele CA63872708.